The following is an entry in ClinVar:

NM_000528.4(MAN2B1):c.2390G>T (p.Arg797Leu)

Gene: MAN2B1 (mannosidase alpha class 2B member 1; minus strand). Cytogenetic location: 19p13.13.
Variant type: single nucleotide variant.
Coding change: c.2390G>T on transcript NM_000528.4 (MANE Select); coding-DNA position 2390, G replaced by T.
Protein change: p.Arg797Leu; replaces arginine 797 with leucine.
Molecular consequence: missense variant.
Genome position (GRCh38, 1-based): chr19:12,649,182, C>A on the plus strand (G>T on the coding strand, the complement: MAN2B1 is on the minus strand). VCF-style: chr19-12649182-C-A. GRCh37 (hg19) VCF-style: chr19-12759996-C-A.
Other names: c.2387G>T, p.Arg796Leu (NM_001173498.2); short protein forms R796L, R797L.
Identifiers: ClinVar variation 1473453 (VCV001473453.6), dbSNP rs750957781, ClinGen allele CA404241165.
Genomic context (GRCh38, chr19:12,649,182, plus strand): 5'-TCTGACCCACTCACCATGAGCTCCAGCGAGCCATCTCTCAGGCTGCTGCCCCCCTGGGAG[C>A]GGTCAGTCAGCACAGTCAGCTGCATGTTTCCATCCTGGGAGTTGAAGGGTGAAAGTAGAG-3'
Protein context (NP_000519.2, residues 787-807): GNMQLTVLTD[Arg797Leu]SQGGSSLRDG

ClinVar aggregate classification (germline): Uncertain significance (1 of 4 stars; one submission).

Conditions:
Deficiency of alpha-mannosidase (MANSA). Also called: Alpha-Mannosidosis; LYSOSOMAL ALPHA-D-MANNOSIDASE DEFICIENCY; Mannosidosis, alpha-, types I and II. Identifiers: Orphanet 61, MedGen C0024748, MONDO:0009561, OMIM 248500.

Submission:

Labcorp Genetics (formerly Invitae), Labcorp
Classification: Uncertain significance for Deficiency of alpha-mannosidase. Last evaluated: 2022-03-04. Review status: criteria provided, single submitter. Criteria: Invitae Variant Classification Sherloc (09022015). Collection method: clinical testing. Allele origin: germline.
Comment: This variant has not been reported in the literature in individuals affected with MAN2B1-related conditions. This variant is not present in population databases (gnomAD no frequency). This sequence change replaces arginine, which is basic and polar, with leucine, which is neutral and non-polar, at codon 797 of the MAN2B1 protein (p.Arg797Leu). In summary, the available evidence is currently insufficient to determine the role of this variant in disease. Therefore, it has been classified as a Variant of Uncertain Significance. Algorithms developed to predict the effect of missense changes on protein structure and function are either unavailable or do not agree on the potential impact of this missense change (SIFT: "Deleterious"; PolyPhen-2: "Probably Damaging"; Align-GVGD: "Class C0").